The following is an entry in ClinVar:

NM_000152.5(GAA):c.1377C>G (p.Asp459Glu)

Gene: GAA (alpha glucosidase; plus strand). Cytogenetic location: 17q25.3.
Variant type: single nucleotide variant.
Coding change: c.1377C>G on transcript NM_000152.5 (MANE Select); coding-DNA position 1377, C replaced by G.
Protein change: p.Asp459Glu; replaces aspartic acid 459 with glutamic acid.
Molecular consequence: missense variant.
Genome position (GRCh38, 1-based): chr17:80,109,995, C>G. VCF-style: chr17-80109995-C-G. GRCh37 (hg19) VCF-style: chr17-78083794-C-G.
Other names: c.1377C>G, p.Asp459Glu (NM_001079803.3, NM_001079804.3); short protein forms D459E.
Identifiers: ClinVar variation 1326806 (VCV001326806.3), dbSNP rs778121058, ClinGen allele CA8815299.

ClinVar aggregate classification (germline): Uncertain significance. Review status: criteria provided, multiple submitters, no conflicts (2 of 4 stars). 2 submissions from 2 submitters: Uncertain significance (2). Last evaluated 2026-07-01.

Conditions:
Glycogen storage disease, type II (IOPD). Also called: CARDIOMEGALIA GLYCOGENICA DIFFUSA; GLYCOGENOSIS, GENERALIZED, CARDIAC FORM; GSD II; POMPE DISEASE, INFANTILE-ONSET; GLYCOGEN STORAGE DISEASE II, INFANTILE-ONSET; ACID ALPHA-GLUCOSIDASE DEFICIENCY, INFANTILE-ONSET. Identifiers: Orphanet 365, MedGen C0017921, MONDO:0009290, OMIM 232300.

Submissions (2):

Genomenon, Inc
Classification: Uncertain significance for Glycogen storage disease, type II. Last evaluated: 2026-07-01. Review status: criteria provided, single submitter. Criteria: Genomenon Sequence Variant Interpretation Standards - Updated. Collection method: curation. Allele origin: germline. Affected: no.
Comment: GAA p.Asp459Glu (c.1377C>G) is a missense variant that changes the amino acid at codon 459 from Aspartic acid to Glutamic acid. This variant has been reported in the published literature (PMID:33202836). It is absent or not present at a significant frequency in gnomAD. In silico models predict that this variant is not damaging. In conclusion, we classify GAA p.Asp459Glu (c.1377C>G) as a variant of uncertain significance.

GeneDx
Classification: Uncertain significance. Last evaluated: 2021-05-26. Review status: criteria provided, single submitter. Criteria: GeneDx Variant Classification Process June 2021. Collection method: clinical testing. Allele origin: germline. Affected: yes.
Comment: Not observed at significant frequency in large population cohorts (Lek et al., 2016); In silico analysis supports that this missense variant has a deleterious effect on protein structure/function; This variant is associated with the following publications: (PMID: 33202836)

Literature cited by the submitters: PubMed 33202836 (cited by Genomenon, Inc).